The following is an entry in ClinVar:

ClinVar aggregate classification (germline): Benign. Review status: criteria provided, multiple submitters, no conflicts (2 of 4 stars). 2 submissions from 2 submitters: Benign (2). Last evaluated 2018-06-14.

Allele frequency attached by ClinVar (database versions not stated): gnomAD exomes 0.00320; gnomAD 0.03226 and 0.03475; 1000 Genomes Project 0.03514; 1000 Genomes Project 30x 0.03763; TOPMed 0.03770.
gnomAD v4.1: 8,106 of 1,108,080 alleles (0.73%); highest among the groups gnomAD compares: African/African-American, 11%; 420 homozygotes.

Submissions (2):

GeneDx
Classification: Benign. Last evaluated: 2018-06-14. Review status: criteria provided, single submitter. Criteria: GeneDx Variant Classification (06012015). Collection method: clinical testing. Allele origin: germline. Affected: yes.
Comment: This variant is considered likely benign or benign based on one or more of the following criteria: it is a conservative change, it occurs at a poorly conserved position in the protein, it is predicted to be benign by multiple in silico algorithms, and/or has population frequency not consistent with disease.

Breakthrough Genomics
Classification: Benign. Review status: criteria provided, single submitter. Criteria: ACMG Guidelines, 2015. Collection method: not provided. Allele origin: germline. Inheritance: Autosomal recessive inheritance. Affected: yes.

NM_001267550.2(TTN):c.1662+120A>G

Gene: TTN (titin; minus strand). Cytogenetic location: 2q31.2.
Variant type: single nucleotide variant.
Coding change: c.1662+120A>G on transcript NM_001267550.2 (MANE Select); 120 bases into the intron after coding-DNA position 1662, A replaced by G.
Molecular consequence: intron variant.
Genome position (GRCh38, 1-based): chr2:178,791,952, T>C on the plus strand (A>G on the coding strand, the complement: TTN is on the minus strand). VCF-style: chr2-178791952-T-C. GRCh37 (hg19) VCF-style: chr2-179656679-T-C.
Other names: c.1662+120A>G (NM_001256850.1, NM_003319.4, NM_133437.4 and 3 more transcripts).
Identifiers: ClinVar variation 675378 (VCV000675378.2), dbSNP rs67587484, ClinGen allele CA60985599.